The following is an entry in ClinVar:

ClinVar aggregate classification (germline): Likely benign. Review status: criteria provided, single submitter (1 of 4 stars). 2 submissions from 2 submitters: Likely benign (1). 1 of the submissions does not count toward it. Last evaluated 2025-12-01.

Conditions:
Actin accumulation myopathy (CMYO2A). Also called: CONGENITAL MYOPATHY 2A, TYPICAL, AUTOSOMAL DOMINANT; Nemaline myopathy type 3; Myopathy, actin, congenital, with excess of thin myofilaments; Myopathy, actin, congenital, with cores; Nemaline myopathy 3, with intranuclear rods. Identifiers: Orphanet 98904, MedGen C3711389, MONDO:0008070, OMIM 161800.
ACTA1-related disorder. Also called: ACTA1-related condition.

Allele frequency attached by ClinVar (database versions not stated): gnomAD exomes 0.00003; gnomAD 0.00014 and 0.00016; TOPMed 0.00012; ExAC 0.00003; ESP Exome Variant Server 0.00008.

Submissions (2):

Labcorp Genetics (formerly Invitae), Labcorp
Classification: Likely benign for Actin accumulation myopathy. Last evaluated: 2025-12-01. Review status: criteria provided, single submitter. Criteria: Invitae Variant Classification Sherloc (09022015). Collection method: clinical testing. Allele origin: germline.

PreventionGenetics, part of Exact Sciences
Classification: Likely benign for ACTA1-related condition. Last evaluated: 2019-04-02. Review status: no assertion criteria provided. Collection method: clinical testing. Allele origin: germline. Not counted in ClinVar's aggregate classification.
Comment: This variant is classified as likely benign based on ACMG/AMP sequence variant interpretation guidelines (Richards et al. 2015 PMID: 25741868, with internal and published modifications).

NM_001100.4(ACTA1):c.117C>T (p.Arg39=)

Gene: ACTA1 (actin alpha 1, skeletal muscle; minus strand). Cytogenetic location: 1q42.13.
Variant type: single nucleotide variant.
Coding change: c.117C>T on transcript NM_001100.4 (MANE Select); coding-DNA position 117, C replaced by T.
Protein change: p.Arg39=; no amino-acid change (arginine 39 retained).
Molecular consequence: synonymous variant.
Genome position (GRCh38, 1-based): chr1:229,432,999, G>A on the plus strand (C>T on the coding strand, the complement: ACTA1 is on the minus strand). VCF-style: chr1-229432999-G-A. GRCh37 (hg19) VCF-style: chr1-229568746-G-A.
Identifiers: ClinVar variation 767394 (VCV000767394.12), dbSNP rs369113039, ClinGen allele CA1442935.
Genomic context (GRCh38, chr1:229,432,999, plus strand): 5'-TTACGCGGGGACCCCGAGCCGGCTCCCTCTGCGGAGGGGCAGCCTGACCTGGTGTCGGGG[G>A]CGGCCCACGATGGACGGGAACACGGCCCTAGGGGCGTCATCCCCGGCGAAGCCGGCTTTC-3'
Protein context (NP_001091.1, residues 29-49): PRAVFPSIVG[Arg39=]PRHQGVMVGM